The following is an entry in ClinVar:

NM_024027.5(COLEC11):c.307C>T (p.Pro103Ser)

Gene: COLEC11 (collectin subfamily member 11; plus strand). Cytogenetic location: 2p25.3.
Variant type: single nucleotide variant.
Coding change: c.307C>T on transcript NM_024027.5 (MANE Select); coding-DNA position 307, C replaced by T.
Protein change: p.Pro103Ser; replaces proline 103 with serine.
Molecular consequence: missense variant. On other transcripts: non-coding transcript variant (1).
Genome position (GRCh38, 1-based): chr2:3,640,310, C>T. VCF-style: chr2-3640310-C-T. GRCh37 (hg19) VCF-style: chr2-3687900-C-T.
Other names: c.235C>T, p.Pro79Ser (NM_001255982.2, NM_001255983.2); c.163C>T, p.Pro55Ser (NM_001255984.2); c.349C>T, p.Pro117Ser (NM_001255985.1); c.229C>T, p.Pro77Ser (NM_001255986.1); c.157C>T, p.Pro53Ser (NM_001255987.1, NM_001255988.1); c.85C>T, p.Pro29Ser (NM_001255989.1); c.298C>T, p.Pro100Ser (NM_199235.3); short protein forms P79S, P100S, P103S, P117S, P77S, P29S, P53S, P55S.
Identifiers: ClinVar variation 1028290 (VCV001028290.1), dbSNP rs773032227, ClinGen allele CA1516970.

ClinVar aggregate classification (germline): Uncertain significance (1 of 4 stars; one submission).

Conditions:
3MC syndrome 2. Also called: OCULO-SKELETAL-ABDOMINAL SYNDROME; OSA SYNDROME; PTOSIS OF EYELIDS WITH DIASTASIS RECTI AND HIP DYSPLASIA. Identifiers: Orphanet 293843, MedGen C0796279, MONDO:0009927, OMIM 265050.

Allele frequency attached by ClinVar (database versions not stated): gnomAD 0.00002; TOPMed 0.00004.
gnomAD v4.1: 41 of 1,597,458 alleles (0.0026%); highest among the groups gnomAD compares: Admixed American, 0.068%; no homozygotes.

Submission:

Baylor Genetics
Classification: Uncertain significance for 3MC syndrome 2. Last evaluated: 2019-04-11. Review status: criteria provided, single submitter. Criteria: ACMG Guidelines, 2015. Collection method: clinical testing. Allele origin: unknown. Affected: yes.
Comment: This variant was determined to be of uncertain significance according to ACMG Guidelines, 2015 [PMID:25741868].